The following is an entry in ClinVar:

NM_000540.3(RYR1):c.13192G>T (p.Gly4398Trp)

Gene: RYR1 (ryanodine receptor 1; plus strand). Cytogenetic location: 19q13.2.
Variant type: single nucleotide variant.
Coding change: c.13192G>T on transcript NM_000540.3 (MANE Select); coding-DNA position 13192, G replaced by T.
Protein change: p.Gly4398Trp; replaces glycine 4398 with tryptophan.
Molecular consequence: missense variant.
Genome position (GRCh38, 1-based): chr19:38,565,526, G>T. VCF-style: chr19-38565526-G-T. GRCh37 (hg19) VCF-style: chr19-39056166-G-T.
Other names: c.13177G>T, p.Gly4393Trp (NM_001042723.2); short protein forms G4393W, G4398W.
Identifiers: ClinVar variation 4537017 (VCV004537017.1).

ClinVar aggregate classification (germline): Uncertain significance (1 of 4 stars; one submission).

Submission:

Women's Health and Genetics/Laboratory Corporation of America, LabCorp
Classification: Uncertain significance. Last evaluated: 2025-11-06. Review status: criteria provided, single submitter. Criteria: LabCorp Variant Classification Summary - May 2015. Collection method: clinical testing. Allele origin: germline.
Comment: Variant summary: RYR1 c.13192G>T (p.Gly4398Trp) results in a non-conservative amino acid change in the encoded protein sequence. Algorithms developed to predict the effect of missense changes on protein structure and function are either unavailable or do not agree on the potential impact of this missense change. The variant was absent in 100756 control chromosomes. The available data on variant occurrences in the general population are insufficient to allow any conclusion about variant significance. To our knowledge, no occurrence of c.13192G>T in individuals affected with RYR1-related conditions and no experimental evidence demonstrating its impact on protein function have been reported. No submitters have cited clinical-significance assessments for this variant to ClinVar. Based on the evidence outlined above, the variant was classified as uncertain significance.